The following is an entry in ClinVar:

NM_007294.4(BRCA1):c.4688_4694delinsG (p.Tyr1563_Glu1565delinsTer)

Gene: BRCA1 (BRCA1 DNA repair associated; minus strand). Cytogenetic location: 17q21.31.
Variant type: Indel.
Coding change: c.4688_4694delinsG on transcript NM_007294.4 (MANE Select); coding-DNA positions 4688 to 4694, ACCTGGA replaced by G.
Protein change: p.Tyr1563_Glu1565delinsTer.
Molecular consequence: nonsense. On other transcripts: inframe indel (365), non-coding transcript variant (1).
Genome position (GRCh38, 1-based): chr17:43,071,220-43,071,226, TCCAGGT replaced by C on the plus strand (ACCTGGA replaced by G on the coding strand, the reverse complement: BRCA1 is on the minus strand). VCF-style: chr17-43071220-TCCAGGT-C. GRCh37 (hg19) VCF-style: chr17-41223237-TCCAGGT-C.
Other names: c.1250_1256delACCTGGAinsG, p.Tyr417_Tyr717del (NM_001408446.1, NM_001408447.1, NM_001408448.1 and 2 more transcripts); c.1244_1250delACCTGGAinsG, p.Tyr415_Tyr715del (NM_001408451.1); c.1238_1244delACCTGGAinsG, p.Tyr413_Tyr713del (NM_001408452.1, NM_001408453.1, NM_001408454.1 and 3 more transcripts); c.1235_1241delACCTGGAinsG, p.Tyr412_Tyr712del (NM_001408458.1, NM_001408459.1, NM_001408460.1 and 7 more transcripts); c.1232_1238delACCTGGAinsG, p.Tyr411_Tyr711del (NM_001408468.1, NM_001408469.1, NM_001408470.1); c.1376_1382delACCTGGAinsG, p.Tyr459_Val699del (NM_001408472.1); c.1373_1379delACCTGGAinsG, p.Tyr458_Val698del (NM_001408473.1); c.1178_1184delACCTGGAinsG, p.Tyr393_Tyr693del (NM_001408474.1); and 87 more.
Identifiers: ClinVar variation 491085 (VCV000491085.5), dbSNP rs1555581087, ClinGen allele CA658684117.

ClinVar aggregate classification (germline): Pathogenic (1 of 4 stars; one submission).

Conditions:
Hereditary cancer-predisposing syndrome. Also called: Hereditary Cancer Syndrome; Neoplastic Syndromes, Hereditary; Tumor predisposition; Hereditary neoplastic syndrome. Identifiers: Orphanet 140162, MedGen C0027672, MeSH D009386, MONDO:0015356.

Submission:

Color Diagnostics, LLC DBA Color Health
Classification: Pathogenic for Hereditary cancer-predisposing syndrome. Last evaluated: 2021-04-12. Review status: criteria provided, single submitter. Criteria: ACMG Guidelines, 2015. Collection method: clinical testing. Allele origin: germline.
Comment: This variant replaces 7 nucleotides in exon 15 of the BRCA1 gene with a c.G nucleotide, creating a premature translation stop signal. This variant is expected to result in an absent or non-functional protein product. This variant has been reported in an individual affected with hereditary breast and/or ovarian cancer (PMID: 29907814). This variant has not been identified in the general population by the Genome Aggregation Database (gnomAD). Loss of BRCA1 function is a known mechanism of disease. Based on the available evidence, this variant is classified as Pathogenic.